The following is an entry in ClinVar:

ClinVar aggregate classification (germline): Uncertain significance (1 of 4 stars; one submission).

Submission:

GeneDx
Classification: Uncertain significance. Last evaluated: 2022-05-25. Review status: criteria provided, single submitter. Criteria: GeneDx Variant Classification Process June 2021. Collection method: clinical testing. Allele origin: germline. Affected: yes.
Comment: Not observed at significant frequency in large population cohorts (gnomAD); In silico analysis supports that this missense variant does not alter protein structure/function; Has not been previously published as pathogenic or benign to our knowledge

NM_001083619.3(GRIA2):c.13A>T (p.Met5Leu)

Gene: GRIA2 (glutamate ionotropic receptor AMPA type subunit 2; plus strand). Cytogenetic location: 4q32.1.
Variant type: single nucleotide variant.
Coding change: c.13A>T on transcript NM_001083619.3 (MANE Select); coding-DNA position 13, A replaced by T.
Protein change: p.Met5Leu; replaces methionine 5 with leucine.
Molecular consequence: missense variant. On other transcripts: intron variant (3).
Genome position (GRCh38, 1-based): chr4:157,221,055, A>T. VCF-style: chr4-157221055-A-T. GRCh37 (hg19) VCF-style: chr4-158142207-A-T.
Other names: c.13A>T, p.Met5Leu (NM_000826.6); c.-53-612A>T (NM_001379000.3, NM_001379001.3); c.-54+330A>T (NM_001083620.3); short protein forms M5L.
Identifiers: ClinVar variation 1800962 (VCV001800962.1), dbSNP rs2530253222, ClinGen allele CA358642959.